The following is an entry in ClinVar:

NM_006231.4(POLE):c.661A>T (p.Met221Leu)

Gene: POLE (DNA polymerase epsilon, catalytic subunit; minus strand). Cytogenetic location: 12q24.33.
Variant type: single nucleotide variant.
Coding change: c.661A>T on transcript NM_006231.4 (MANE Select); coding-DNA position 661, A replaced by T.
Protein change: p.Met221Leu; replaces methionine 221 with leucine.
Molecular consequence: missense variant.
Genome position (GRCh38, 1-based): chr12:132,677,637, T>A on the plus strand (A>T on the coding strand, the complement: POLE is on the minus strand). VCF-style: chr12-132677637-T-A. GRCh37 (hg19) VCF-style: chr12-133254223-T-A.
Other names: c.661A>T (NM_006231.2); short protein forms M221L.
Identifiers: ClinVar variation 3650638 (VCV003650638.3).
Genomic context (GRCh38, chr12:132,677,637, plus strand): 5'-CCACGTGGATCTTCAGGTCAATGGAGAGGCGGATGTGGTAGGGAACATCGTACTCGCGCA[T>A]GTCCACAATGTTGTCCAACTGGTCAGCTATCTTCTTAGAGGTTTCCTCTTCATCAGTAAT-3'
Protein context (NP_006222.2, residues 211-231): IADQLDNIVD[Met221Leu]REYDVPYHIR

ClinVar aggregate classification (germline): Uncertain significance. Review status: criteria provided, multiple submitters, no conflicts (2 of 4 stars). 2 submissions from 2 submitters: Uncertain significance (2). Last evaluated 2026-01-12.

Conditions:
Hereditary cancer-predisposing syndrome. Also called: Hereditary Cancer Syndrome; Neoplastic Syndromes, Hereditary; Tumor predisposition; Hereditary neoplastic syndrome. Identifiers: Orphanet 140162, MedGen C0027672, MeSH D009386, MONDO:0015356.

Submissions (2):

Ambry Genetics
Classification: Uncertain significance for Hereditary cancer-predisposing syndrome. Last evaluated: 2026-01-12. Review status: criteria provided, single submitter. Criteria: Ambry Variant Classification Scheme 2023. Collection method: clinical testing. Allele origin: germline.
Comment: The p.M221L variant (also known as c.661A>T), located in coding exon 7 of the POLE gene, results from an A to T substitution at nucleotide position 661. The methionine at codon 221 is replaced by leucine, an amino acid with highly similar properties. This amino acid position is conserved. In addition, this alteration is predicted to be tolerated by in silico analysis. Based on the available evidence, the clinical significance of this variant remains unclear.

Labcorp Genetics (formerly Invitae), Labcorp
Classification: Uncertain significance. Last evaluated: 2025-07-22. Review status: criteria provided, single submitter. Criteria: Invitae Variant Classification Sherloc (09022015). Collection method: clinical testing. Allele origin: germline.
Comment: This sequence change replaces methionine, which is neutral and non-polar, with leucine, which is neutral and non-polar, at codon 221 of the POLE protein (p.Met221Leu). This variant is not present in population databases (gnomAD no frequency). This variant has not been reported in the literature in individuals affected with POLE-related conditions. ClinVar contains an entry for this variant (Variation ID: 3650638). Invitae Evidence Modeling of protein sequence and biophysical properties (such as structural, functional, and spatial information, amino acid conservation, physicochemical variation, residue mobility, and thermodynamic stability) indicates that this missense variant is not expected to disrupt POLE protein function with a negative predictive value of 80%. In summary, the available evidence is currently insufficient to determine the role of this variant in disease. Therefore, it has been classified as a Variant of Uncertain Significance.